The following is an entry in ClinVar:

NM_170606.3(KMT2C):c.11242G>A (p.Ala3748Thr)

Gene: KMT2C (lysine methyltransferase 2C; minus strand). Cytogenetic location: 7q36.1.
Variant type: single nucleotide variant.
Coding change: c.11242G>A on transcript NM_170606.3 (MANE Select); coding-DNA position 11242, G replaced by A.
Protein change: p.Ala3748Thr; replaces alanine 3748 with threonine.
Molecular consequence: missense variant.
Genome position (GRCh38, 1-based): chr7:152,162,335, C>T on the plus strand (G>A on the coding strand, the complement: KMT2C is on the minus strand). VCF-style: chr7-152162335-C-T. GRCh37 (hg19) VCF-style: chr7-151859420-C-T.
Other names: short protein forms A3748T.
Identifiers: ClinVar variation 134800 (VCV000134800.28), dbSNP rs148366561, ClinGen allele CA160769.

ClinVar aggregate classification (germline): Benign/Likely benign. Review status: criteria provided, multiple submitters, no conflicts (2 of 4 stars). 3 submissions from 3 submitters: Benign (1); Likely benign (1). 1 of the submissions does not count toward it. Last evaluated 2026-07-01.

Allele frequency attached by ClinVar (database versions not stated): ExAC 0.00132; 1000 Genomes Project 0.00300; 1000 Genomes Project 30x 0.00359; gnomAD 0.00408 and 0.00448; TOPMed 0.00457; ESP Exome Variant Server 0.00577; gnomAD exomes 0.00046 and 0.00099.
gnomAD v4.1: 1,329 of 1,614,224 alleles (0.082%); highest among the groups gnomAD compares: African/African-American, 1.4%; 3 homozygotes.

Submissions (3):

CeGaT Center for Human Genetics Tuebingen
Classification: Likely benign. Last evaluated: 2026-07-01. Review status: criteria provided, single submitter. Criteria: CeGaT Center For Human Genetics Tuebingen Variant Classification Criteria Version 2. Collection method: clinical testing. Allele origin: germline. Affected: yes. Observed: 3 variant alleles.
Comment: KMT2C: BP4, BS1

Labcorp Genetics (formerly Invitae), Labcorp
Classification: Benign. Last evaluated: 2026-01-05. Review status: criteria provided, single submitter. Criteria: Invitae Variant Classification Sherloc (09022015). Collection method: clinical testing. Allele origin: germline.

ITMI
No classification provided. Condition: AllHighlyPenetrant. Last evaluated: 2013-09-19. Review status: no classification provided. Collection method: reference population. Allele origin: germline. Not counted in ClinVar's aggregate classification.
Comment: Please see associated publication for description of ethnicities

Literature cited by the submitters: PubMed 24728327 (cited by ITMI).